The following is an entry in ClinVar:

ClinVar aggregate classification (germline): Uncertain significance (1 of 4 stars; one submission).

Allele frequency attached by ClinVar (database versions not stated): ExAC 0.00039.

Submission:

Labcorp Genetics (formerly Invitae), Labcorp
Classification: Uncertain significance. Last evaluated: 2024-04-15. Review status: criteria provided, single submitter. Criteria: Invitae Variant Classification Sherloc (09022015). Collection method: clinical testing. Allele origin: germline.
Comment: This sequence change replaces threonine, which is neutral and polar, with proline, which is neutral and non-polar, at codon 48 of the TFAP2A protein (p.Thr48Pro). The frequency data for this variant in the population databases is considered unreliable, as metrics indicate poor data quality at this position in the gnomAD database. This variant has not been reported in the literature in individuals affected with TFAP2A-related conditions. ClinVar contains an entry for this variant (Variation ID: 1909502). An algorithm developed to predict the effect of missense changes on protein structure and function (PolyPhen-2) suggests that this variant is likely to be disruptive. In summary, the available evidence is currently insufficient to determine the role of this variant in disease. Therefore, it has been classified as a Variant of Uncertain Significance.

NM_001372066.1(TFAP2A):c.148A>C (p.Thr50Pro)

Gene: TFAP2A (transcription factor AP-2 alpha; minus strand). Cytogenetic location: 6p24.3.
Variant type: single nucleotide variant.
Coding change: c.148A>C on transcript NM_001372066.1 (MANE Select); coding-DNA position 148, A replaced by C.
Protein change: p.Thr50Pro; replaces threonine 50 with proline.
Molecular consequence: missense variant.
Genome position (GRCh38, 1-based): chr6:10,410,239, T>G on the plus strand (A>C on the coding strand, the complement: TFAP2A is on the minus strand). VCF-style: chr6-10410239-T-G. GRCh37 (hg19) VCF-style: chr6-10410472-T-G.
Other names: c.124A>C, p.Thr42Pro (NM_001032280.3); c.130A>C, p.Thr44Pro (NM_001042425.3); short protein forms T42P, T50P, T44P.
Identifiers: ClinVar variation 1909502 (VCV001909502.5), dbSNP rs750226796, ClinGen allele CA3631401.